The following is an entry in ClinVar:

NM_000179.3(MSH6):c.2040C>T (p.Ala680=)

Gene: MSH6 (mutS homolog 6; plus strand). Cytogenetic location: 2p16.3.
Variant type: single nucleotide variant.
Coding change: c.2040C>T on transcript NM_000179.3 (MANE Select); coding-DNA position 2040, C replaced by T.
Protein change: p.Ala680=; no amino-acid change (alanine 680 retained).
Molecular consequence: synonymous variant.
Genome position (GRCh38, 1-based): chr2:47,800,023, C>T. VCF-style: chr2-47800023-C-T. GRCh37 (hg19) VCF-style: chr2-48027162-C-T.
Other names: c.1650C>T, p.Ala550= (NM_001281492.2); c.1134C>T, p.Ala378= (NM_001281493.2, NM_001281494.2).
Identifiers: ClinVar variation 186541 (VCV000186541.14), dbSNP rs746448428, ClinGen allele CA009588.

ClinVar aggregate classification (germline): Benign/Likely benign. Review status: criteria provided, multiple submitters, no conflicts (2 of 4 stars). 3 submissions from 3 submitters: Benign (1); Likely benign (2). Last evaluated 2025-07-14.

Conditions:
Hereditary nonpolyposis colorectal neoplasms. Identifiers: MedGen C0009405, MeSH D003123.
Hereditary cancer-predisposing syndrome. Also called: Neoplastic Syndromes, Hereditary; Tumor predisposition; Hereditary Cancer Syndrome; Hereditary neoplastic syndrome. Identifiers: Orphanet 140162, MedGen C0027672, MeSH D009386, MONDO:0015356.
Lynch syndrome 5 (LYNCH5). Also called: Colorectal cancer, hereditary nonpolyposis, type 5; Hereditary non-polyposis colorectal cancer, type 5. Identifiers: Orphanet 144, MedGen C1833477, MONDO:0013710, OMIM 614350. Disease mechanism: loss of function.

Allele frequency attached by ClinVar (database versions not stated): gnomAD exomes below 0.00001; TOPMed below 0.00001; ExAC 0.00001; gnomAD 0.00001.
gnomAD v4.1: 5 of 1,613,786 alleles (0.00031%); highest among the groups gnomAD compares: South Asian, 0.0022%; no homozygotes.

Submissions (3):

Labcorp Genetics (formerly Invitae), Labcorp
Classification: Likely benign for Hereditary nonpolyposis colorectal neoplasms. Last evaluated: 2025-07-14. Review status: criteria provided, single submitter. Criteria: Invitae Variant Classification Sherloc (09022015). Collection method: clinical testing. Allele origin: germline.

Myriad Genetics, Inc.
Classification: Benign for Lynch syndrome 5. Last evaluated: 2024-12-30. Review status: criteria provided, single submitter. Criteria: Myriad Autosomal Dominant, Autosomal Recessive and X-Linked Classification Criteria (2023). Collection method: clinical testing. Allele origin: unknown.
Comment: This variant is considered benign. This variant is a silent/synonymous amino acid change and it is not expected to impact splicing.

Ambry Genetics
Classification: Likely benign for Hereditary cancer-predisposing syndrome. Last evaluated: 2014-10-14. Review status: criteria provided, single submitter. Criteria: Ambry Variant Classification Scheme 2023. Collection method: clinical testing. Allele origin: germline.